The following is an entry in ClinVar:

NM_002439.5(MSH3):c.884G>A (p.Arg295His)

Gene: MSH3 (mutS homolog 3; plus strand). Cytogenetic location: 5q14.1.
Variant type: single nucleotide variant.
Coding change: c.884G>A on transcript NM_002439.5 (MANE Select); coding-DNA position 884, G replaced by A.
Protein change: p.Arg295His; replaces arginine 295 with histidine.
Molecular consequence: missense variant.
Genome position (GRCh38, 1-based): chr5:80,672,335, G>A. VCF-style: chr5-80672335-G-A. GRCh37 (hg19) VCF-style: chr5-79968154-G-A.
Other names: short protein forms R295H.
Identifiers: ClinVar variation 645533 (VCV000645533.15), dbSNP rs771713082, ClinGen allele CA3327734.

ClinVar aggregate classification (germline): Uncertain significance. Review status: criteria provided, multiple submitters, no conflicts (2 of 4 stars). 5 submissions from 4 submitters: Uncertain significance (5). Last evaluated 2025-12-17.

Conditions:
Endometrial carcinoma. Also called: Endometrial carcinoma, somatic. Identifiers: MedGen C0476089, MONDO:0002447, OMIM 608089, HP:0012114.
Familial adenomatous polyposis 4 (FAP4). Also called: MSH3-related attenuated familial adenomatous polyposis. Identifiers: Orphanet 480536, MedGen C4310719, MONDO:0044300, OMIM 617100.
Hereditary cancer-predisposing syndrome. Also called: Neoplastic Syndromes, Hereditary; Hereditary neoplastic syndrome; Tumor predisposition; Hereditary Cancer Syndrome. Identifiers: Orphanet 140162, MedGen C0027672, MeSH D009386, MONDO:0015356.

Allele frequency attached by ClinVar (database versions not stated): ExAC 0.00001; gnomAD exomes 0.00001.
gnomAD v4.1: 7 of 1,613,552 alleles (0.00043%); highest among the groups gnomAD compares: Admixed American, 0.0017%; no homozygotes.

Submissions (5):

Ambry Genetics
Classification: Uncertain significance for Hereditary cancer-predisposing syndrome. Last evaluated: 2025-12-17. Review status: criteria provided, single submitter. Criteria: Ambry Variant Classification Scheme 2023. Collection method: clinical testing. Allele origin: germline.
Comment: The p.R295H variant (also known as c.884G>A), located in coding exon 5 of the MSH3 gene, results from a G to A substitution at nucleotide position 884. The arginine at codon 295 is replaced by histidine, an amino acid with highly similar properties. This amino acid position is highly conserved in available vertebrate species. In addition, this alteration is predicted to be deleterious by in silico analysis. Based on the available evidence, the clinical significance of this variant remains unclear.

Quest Diagnostics Nichols Institute San Juan Capistrano
Classification: Uncertain significance. Last evaluated: 2025-07-31. Review status: criteria provided, single submitter. Criteria: Quest Diagnostics criteria. Collection method: clinical testing. Allele origin: unknown.
Comment: The MSH3 c.884G>A (p.Arg295His) variant has been reported in the published literature in an individual with colorectal cancer (PMID: 28944238 (2017)). The frequency of this variant in the general population (Genome Aggregation Database) is uninformative in the assessment of its pathogenicity. Analysis of this variant using bioinformatics tools for the prediction of the effect of amino acid changes on protein structure and function yielded predictions that this variant is damaging. Based on the available information, we are unable to determine the clinical significance of this variant.

Labcorp Genetics (formerly Invitae), Labcorp
Classification: Uncertain significance. Last evaluated: 2024-11-24. Review status: criteria provided, single submitter. Criteria: Invitae Variant Classification Sherloc (09022015). Collection method: clinical testing. Allele origin: germline.
Comment: This sequence change replaces arginine, which is basic and polar, with histidine, which is basic and polar, at codon 295 of the MSH3 protein (p.Arg295His). This variant is present in population databases (rs771713082, gnomAD 0.0009%). This variant has not been reported in the literature in individuals affected with MSH3-related conditions. ClinVar contains an entry for this variant (Variation ID: 645533). An algorithm developed to predict the effect of missense changes on protein structure and function (PolyPhen-2) suggests that this variant is likely to be disruptive. In summary, the available evidence is currently insufficient to determine the role of this variant in disease. Therefore, it has been classified as a Variant of Uncertain Significance.

Baylor Genetics
Classification: Uncertain significance for Endometrial carcinoma. Last evaluated: 2023-11-21. Review status: criteria provided, single submitter. Criteria: ACMG Guidelines, 2015. Collection method: clinical testing. Allele origin: unknown.

Baylor Genetics
Classification: Uncertain significance for Familial adenomatous polyposis 4. Last evaluated: 2018-11-07. Review status: criteria provided, single submitter. Criteria: ACMG Guidelines, 2015. Collection method: clinical testing. Allele origin: unknown. Affected: yes. Study: CSER-TexasKidsCanSeq.
Comment: This variant was determined to be of uncertain significance according to ACMG Guidelines, 2015 [PMID:25741868].

Literature cited by the submitters: PubMed 28944238 (cited by Quest Diagnostics Nichols Institute San Juan Capistrano).